The following is an entry in ClinVar:

NM_201596.3(CACNB2):c.967G>T (p.Ala323Ser)

Gene: CACNB2 (calcium voltage-gated channel auxiliary subunit beta 2; plus strand). Cytogenetic location: 10p12.31.
Variant type: single nucleotide variant.
Coding change: c.967G>T on transcript NM_201596.3 (MANE Select); coding-DNA position 967, G replaced by T.
Protein change: p.Ala323Ser; replaces alanine 323 with serine.
Molecular consequence: missense variant.
Genome position (GRCh38, 1-based): chr10:18,527,610, G>T. VCF-style: chr10-18527610-G-T. GRCh37 (hg19) VCF-style: chr10-18816539-G-T.
Other names: c.802G>T, p.Ala268Ser (NM_000724.4); c.769G>T, p.Ala257Ser (NM_001167945.2); c.688G>T, p.Ala230Ser (NM_001330060.2); c.823G>T, p.Ala275Ser (NM_201570.3); c.883G>T, p.Ala295Ser (NM_201571.4); c.811G>T, p.Ala271Ser (NM_201572.4); c.805G>T, p.Ala269Ser (NM_201590.3); c.853G>T, p.Ala285Ser (NM_201593.3); and 1 more; short protein forms A268S, A285S, A323S, A230S, A295S, A275S, A257S, A269S.
Identifiers: ClinVar variation 941390 (VCV000941390.11), dbSNP rs561197163, ClinGen allele CA203164002.

ClinVar aggregate classification (germline): Uncertain significance. Review status: criteria provided, multiple submitters, no conflicts (2 of 4 stars). 2 submissions from 2 submitters: Uncertain significance (2). Last evaluated 2024-03-10.

Conditions:
Brugada syndrome 4 (BRGDA4). Identifiers: Orphanet 130, MedGen C2678477, MONDO:0012743, OMIM 611876.
Cardiovascular phenotype. Identifiers: MedGen CN230736.

gnomAD v4.1: 12 of 1,613,590 alleles (0.00074%); highest among the groups gnomAD compares: Non-Finnish European, 0.001%; no homozygotes.

Submissions (2):

Ambry Genetics
Classification: Uncertain significance for Cardiovascular phenotype. Last evaluated: 2024-03-10. Review status: criteria provided, single submitter. Criteria: Ambry Variant Classification Scheme 2023. Collection method: clinical testing. Allele origin: germline.
Comment: The p.A269S variant (also known as c.805G>T), located in coding exon 9 of the CACNB2 gene, results from a G to T substitution at nucleotide position 805. The alanine at codon 269 is replaced by serine, an amino acid with similar properties. This amino acid position is conserved. In addition, the in silico prediction for this alteration is inconclusive. Based on the available evidence, the clinical significance of this alteration remains unclear.

Labcorp Genetics (formerly Invitae), Labcorp
Classification: Uncertain significance for Brugada syndrome 4. Last evaluated: 2022-03-18. Review status: criteria provided, single submitter. Criteria: Invitae Variant Classification Sherloc (09022015). Collection method: clinical testing. Allele origin: germline.
Comment: This variant has not been reported in the literature in individuals affected with CACNB2-related conditions. Algorithms developed to predict the effect of missense changes on protein structure and function are either unavailable or do not agree on the potential impact of this missense change (SIFT: "Deleterious"; PolyPhen-2: "Probably Damaging"; Align-GVGD: "Class C0"). In summary, the available evidence is currently insufficient to determine the role of this variant in disease. Therefore, it has been classified as a Variant of Uncertain Significance. ClinVar contains an entry for this variant (Variation ID: 941390). This variant is not present in population databases (gnomAD no frequency). This sequence change replaces alanine, which is neutral and non-polar, with serine, which is neutral and polar, at codon 269 of the CACNB2 protein (p.Ala269Ser).